The following is an entry in ClinVar:

NM_001277115.2(DNAH11):c.136_137delinsTT (p.Ala46Leu)

Gene: DNAH11 (dynein axonemal heavy chain 11; plus strand). Cytogenetic location: 7p15.3.
Variant type: Indel.
Coding change: c.136_137delinsTT on transcript NM_001277115.2 (MANE Select); coding-DNA positions 136 to 137, GC replaced by TT.
Protein change: p.Ala46Leu; replaces alanine 46 with leucine.
Molecular consequence: missense variant.
Genome position (GRCh38, 1-based): chr7:21,543,381-21,543,382, GC replaced by TT. VCF-style: chr7-21543381-GC-TT. GRCh37 (hg19) VCF-style: chr7-21582999-GC-TT.
Other names: short protein forms A46L.
Identifiers: ClinVar variation 3346297 (VCV003346297.1).
Genomic context (GRCh38, chr7:21,543,381, plus strand): 5'-GGCCTGGAGGCAGTGGGCGCTGTGGAGCTCGAGGAGGAGGAGGAGAACGAGGAGGAGGCG[GC>TT]GGCCAGGAGAGCGCGGAGTTTCGCCCAAGACGCGCGGGTGCGCTTCCTCGGCGGCCGCCT-3'
Protein context (NP_001264044.1, residues 36-56): EEEEENEEEA[Ala46Leu]ARRARSFAQD

ClinVar aggregate classification (germline): Uncertain significance (0 of 4 stars; one submission).

Conditions:
DNAH11-related disorder. Also called: DNAH11-related condition.

Submission:

PreventionGenetics, part of Exact Sciences
Classification: Uncertain significance for DNAH11-related condition. Last evaluated: 2024-09-12. Review status: no assertion criteria provided. Collection method: clinical testing. Allele origin: germline.
Comment: The DNAH11 c.136_137delinsTT variant is predicted to result in an in-frame deletion and insertion. To our knowledge, this variant has not been reported in the literature or in a large population database, indicating this variant is rare. At this time, the clinical significance of this variant is uncertain due to the absence of conclusive functional and genetic evidence.